The following is an entry in ClinVar:

ClinVar aggregate classification (germline): Uncertain significance (1 of 4 stars; one submission).

Conditions:
Intellectual disability. Also called: Intellectual functioning disability; intellectual disabilities; Intellectual developmental disorder. Identifiers: MedGen C3714756, MeSH D008607, MONDO:0001071, HP:0001249.

Submission:

Labcorp Genetics (formerly Invitae), Labcorp
Classification: Uncertain significance for Intellectual disability. Last evaluated: 2024-06-29. Review status: criteria provided, single submitter. Criteria: Invitae Variant Classification Sherloc (09022015). Collection method: clinical testing. Allele origin: germline.
Comment: This sequence change replaces glycine, which is neutral and non-polar, with arginine, which is basic and polar, at codon 425 of the GABRB2 protein (p.Gly425Arg). This variant is not present in population databases (gnomAD no frequency). This variant has not been reported in the literature in individuals affected with GABRB2-related conditions. Advanced modeling of protein sequence and biophysical properties (such as structural, functional, and spatial information, amino acid conservation, physicochemical variation, residue mobility, and thermodynamic stability) has been performed at Invitae for this missense variant, however the output from this modeling did not meet the statistical confidence thresholds required to predict the impact of this variant on GABRB2 protein function. In summary, the available evidence is currently insufficient to determine the role of this variant in disease. Therefore, it has been classified as a Variant of Uncertain Significance.

NM_001371727.1(GABRB2):c.1273G>A (p.Gly425Arg)

Gene: GABRB2 (gamma-aminobutyric acid type A receptor subunit beta2; minus strand). Cytogenetic location: 5q34.
Variant type: single nucleotide variant.
Coding change: c.1273G>A on transcript NM_001371727.1 (MANE Select); coding-DNA position 1273, G replaced by A.
Protein change: p.Gly425Arg; replaces glycine 425 with arginine.
Molecular consequence: missense variant.
Genome position (GRCh38, 1-based): chr5:161,294,347, C>T on the plus strand (G>A on the coding strand, the complement: GABRB2 is on the minus strand). VCF-style: chr5-161294347-C-T. GRCh37 (hg19) VCF-style: chr5-160721354-C-T.
Other names: c.1159G>A, p.Gly387Arg (NM_000813.3); c.1273G>A, p.Gly425Arg (NM_021911.3); short protein forms G387R, G425R.
Identifiers: ClinVar variation 3635561 (VCV003635561.2).